The following is an entry in ClinVar:

NM_206933.4(USH2A):c.8282T>G (p.Met2761Arg)

Gene: USH2A (usherin; minus strand). Cytogenetic location: 1q41.
Variant type: single nucleotide variant.
Coding change: c.8282T>G on transcript NM_206933.4 (MANE Select); coding-DNA position 8282, T replaced by G.
Protein change: p.Met2761Arg; replaces methionine 2761 with arginine.
Molecular consequence: missense variant.
Genome position (GRCh38, 1-based): chr1:215,879,040, A>C on the plus strand (T>G on the coding strand, the complement: USH2A is on the minus strand). VCF-style: chr1-215879040-A-C. GRCh37 (hg19) VCF-style: chr1-216052382-A-C.
Other names: short protein forms M2761R.
Identifiers: ClinVar variation 1008122 (VCV001008122.8), dbSNP rs1251533890, ClinGen allele CA344832504.

ClinVar aggregate classification (germline): Uncertain significance (1 of 4 stars; one submission).

Allele frequency attached by ClinVar (database versions not stated): TOPMed below 0.00001.

Submission:

Labcorp Genetics (formerly Invitae), Labcorp
Classification: Uncertain significance. Last evaluated: 2022-08-15. Review status: criteria provided, single submitter. Criteria: Invitae Variant Classification Sherloc (09022015). Collection method: clinical testing. Allele origin: germline.
Comment: This variant is not present in population databases (gnomAD no frequency). This sequence change replaces methionine, which is neutral and non-polar, with arginine, which is basic and polar, at codon 2761 of the USH2A protein (p.Met2761Arg). In summary, the available evidence is currently insufficient to determine the role of this variant in disease. Therefore, it has been classified as a Variant of Uncertain Significance. Algorithms developed to predict the effect of missense changes on protein structure and function (SIFT, PolyPhen-2, Align-GVGD) all suggest that this variant is likely to be disruptive. ClinVar contains an entry for this variant (Variation ID: 1008122). This variant has not been reported in the literature in individuals affected with USH2A-related conditions.